The following is an entry in ClinVar:

ClinVar aggregate classification (germline): Uncertain significance (1 of 4 stars; one submission).

Conditions:
Immunodeficiency 51 (IMD51). Also called: CANDIDIASIS, FAMILIAL, 5. Identifiers: Orphanet 1334, MedGen C4310803, MONDO:0013500, OMIM 613953.

Submission:

Labcorp Genetics (formerly Invitae), Labcorp
Classification: Uncertain significance for Immunodeficiency 51. Last evaluated: 2025-12-15. Review status: criteria provided, single submitter. Criteria: Invitae Variant Classification Sherloc (09022015). Collection method: clinical testing. Allele origin: germline.
Comment: This sequence change replaces alanine, which is neutral and non-polar, with glutamic acid, which is acidic and polar, at codon 367 of the IL17RA protein (p.Ala367Glu). This variant is present in population databases (rs879577, gnomAD 0.003%). This variant has not been reported in the literature in individuals affected with IL17RA-related conditions. ClinVar contains an entry for this variant (Variation ID: 1441802). Invitae Evidence Modeling of protein sequence and biophysical properties (such as structural, functional, and spatial information, amino acid conservation, physicochemical variation, residue mobility, and thermodynamic stability) indicates that this missense variant is not expected to disrupt IL17RA protein function with a negative predictive value of 80%. In summary, the available evidence is currently insufficient to determine the role of this variant in disease. Therefore, it has been classified as a Variant of Uncertain Significance.

NM_014339.7(IL17RA):c.1100C>A (p.Ala367Glu)

Gene: IL17RA (interleukin 17 receptor A; plus strand). Cytogenetic location: 22q11.1.
Variant type: single nucleotide variant.
Coding change: c.1100C>A on transcript NM_014339.7 (MANE Select); coding-DNA position 1100, C replaced by A.
Protein change: p.Ala367Glu; replaces alanine 367 with glutamic acid.
Molecular consequence: missense variant.
Genome position (GRCh38, 1-based): chr22:17,108,319, C>A. VCF-style: chr22-17108319-C-A. GRCh37 (hg19) VCF-style: chr22-17589209-C-A.
Other names: c.998C>A, p.Ala333Glu (NM_001289905.2); short protein forms A333E, A367E.
Identifiers: ClinVar variation 1441802 (VCV001441802.8), dbSNP rs879577, ClinGen allele CA321152277.
Genomic context (GRCh38, chr22:17,108,319, plus strand): 5'-CCCTGGGCCCTGGGGTGAGGGTCAGCATGTGTGGTCTTGTTTCCTTAGATGGCCTGCCTG[C>A]GGCTGACCTGATCCCCCCACCGCTGAAGCCCAGGAAGGTCTGGATCATCTACTCAGCCGA-3'
Protein context (NP_055154.3, residues 357-377): DDTKYTDGLP[Ala367Glu]ADLIPPPLKP